The following is an entry in ClinVar:

NM_018344.6(SLC29A3):c.830C>T (p.Pro277Leu)

Gene: SLC29A3 (solute carrier family 29 member 3; plus strand). Cytogenetic location: 10q22.1.
Variant type: single nucleotide variant.
Coding change: c.830C>T on transcript NM_018344.6 (MANE Select); coding-DNA position 830, C replaced by T.
Protein change: p.Pro277Leu; replaces proline 277 with leucine.
Molecular consequence: missense variant. On other transcripts: 3 prime UTR variant (1), non-coding transcript variant (2).
Genome position (GRCh38, 1-based): chr10:71,362,010, C>T. VCF-style: chr10-71362010-C-T. GRCh37 (hg19) VCF-style: chr10-73121767-C-T.
Other names: c.*59C>T (NM_001174098.2); c.596C>T, p.Pro199Leu (NM_001363518.2); c.830C>T (NM_018344.5); short protein forms P277L, P199L.
Identifiers: ClinVar variation 1432623 (VCV001432623.8), dbSNP rs146113694, ClinGen allele CA5543062.

ClinVar aggregate classification (germline): Uncertain significance. Review status: criteria provided, multiple submitters, no conflicts (2 of 4 stars). 3 submissions from 3 submitters: Uncertain significance (3). Last evaluated 2025-02-13.

Conditions:
Inborn genetic diseases. Identifiers: MedGen C0950123, MeSH D030342.
H syndrome. Also called: Pigmented hypertrichosis and insulin-dependent diabetes mellitus; Asrar Facharzt Haque syndrome; SINUS HISTIOCYTOSIS AND MASSIVE LYMPHADENOPATHY; Hyperpigmentation, Cutaneous, with Hypertrichosis, Hepatosplenomegaly, Heart Anomalies, Hearing Loss, and Hypogonadism; Histiocytosis-lymphadenopathy plus syndrome; FAISALABAD HISTIOCYTOSIS. Identifiers: Orphanet 168569, MedGen C1864445, MONDO:0011273, OMIM 602782.

Allele frequency attached by ClinVar (database versions not stated): ExAC 0.00001; gnomAD exomes 0.00001 and 0.00003; gnomAD 0.00003 and 0.00004; TOPMed 0.00005; ESP Exome Variant Server 0.00008.
gnomAD v4.1: 54 of 1,613,976 alleles (0.0033%); highest among the groups gnomAD compares: Non-Finnish European, 0.0043%; no homozygotes.

Submissions (3):

Ambry Genetics
Classification: Uncertain significance for Inborn genetic diseases. Last evaluated: 2025-02-13. Review status: criteria provided, single submitter. Criteria: Ambry Variant Classification Scheme 2023. Collection method: clinical testing. Allele origin: germline.

Labcorp Genetics (formerly Invitae), Labcorp
Classification: Uncertain significance for H syndrome. Last evaluated: 2024-07-30. Review status: criteria provided, single submitter. Criteria: Invitae Variant Classification Sherloc (09022015). Collection method: clinical testing. Allele origin: germline.
Comment: This sequence change replaces proline, which is neutral and non-polar, with leucine, which is neutral and non-polar, at codon 277 of the SLC29A3 protein (p.Pro277Leu). This variant is present in population databases (rs146113694, gnomAD 0.003%). This variant has not been reported in the literature in individuals affected with SLC29A3-related conditions. ClinVar contains an entry for this variant (Variation ID: 1432623). Advanced modeling of protein sequence and biophysical properties (such as structural, functional, and spatial information, amino acid conservation, physicochemical variation, residue mobility, and thermodynamic stability) performed at Invitae indicates that this missense variant is not expected to disrupt SLC29A3 protein function with a negative predictive value of 80%. In summary, the available evidence is currently insufficient to determine the role of this variant in disease. Therefore, it has been classified as a Variant of Uncertain Significance.

Breakthrough Genomics
Classification: Uncertain significance. Review status: criteria provided, single submitter. Criteria: ACMG Guidelines, 2015. Collection method: not provided. Allele origin: germline. Inheritance: Autosomal recessive inheritance. Affected: yes.